The following is an entry in ClinVar:

NM_000204.5(CFI):c.1571A>G (p.Asp524Gly)

Gene: CFI (complement factor I; minus strand). Cytogenetic location: 4q25.
Variant type: single nucleotide variant.
Coding change: c.1571A>G on transcript NM_000204.5 (MANE Select); coding-DNA position 1571, A replaced by G.
Protein change: p.Asp524Gly; replaces aspartic acid 524 with glycine.
Molecular consequence: missense variant. On other transcripts: non-coding transcript variant (3), intron variant (5).
Genome position (GRCh38, 1-based): chr4:109,741,074, T>C on the plus strand (A>G on the coding strand, the complement: CFI is on the minus strand). VCF-style: chr4-109741074-T-C. GRCh37 (hg19) VCF-style: chr4-110662230-T-C.
Other names: c.1595A>G, p.Asp532Gly (NM_001318057.2); c.1550A>G, p.Asp517Gly (NM_001331035.2); c.1514A>G, p.Asp505Gly (NM_001375283.1); c.962A>G, p.Asp321Gly (NM_001375284.1); c.1513+1417A>G (NM_001375282.1, NM_001375280.1); c.1534+1417A>G (NM_001375281.1, NM_001375279.1); c.1558+1417A>G (NM_001375278.1); short protein forms D321G, D505G, D517G, D524G, D532G.
Identifiers: ClinVar variation 3235979 (VCV003235979.3), dbSNP rs121964914, ClinGen allele CA357854665.

ClinVar aggregate classification (germline): Conflicting classifications of pathogenicity. Review status: criteria provided, conflicting classifications (1 of 4 stars). 3 submissions from 3 submitters: Likely pathogenic (1); Uncertain significance (2). Last evaluated 2026-01-11.

Conditions:
Age related macular degeneration 13. Identifiers: MedGen C3809523, MONDO:0014189, OMIM 615439.
Factor I deficiency (CFID). Also called: Complement factor I deficiency. Identifiers: Orphanet 200418, MedGen C3463916, MONDO:0012594, OMIM 610984.
Atypical hemolytic-uremic syndrome with I factor anomaly. Also called: HEMOLYTIC UREMIC SYNDROME, ATYPICAL, SUSCEPTIBILITY TO, 3; AHUS, SUSCEPTIBILITY TO, 3. Identifiers: Orphanet 2134, MedGen C2752039, MONDO:0013041, OMIM 612923.

Allele frequency attached by ClinVar (database versions not stated): TOPMed 0.00001.
gnomAD v4.1: 11 of 1,613,862 alleles (0.00068%); highest among the groups gnomAD compares: Non-Finnish European, 0.00093%; no homozygotes.

Submissions (3):

Labcorp Genetics (formerly Invitae), Labcorp
Classification: Uncertain significance. Last evaluated: 2026-01-11. Review status: criteria provided, single submitter. Criteria: Invitae Variant Classification Sherloc (09022015). Collection method: clinical testing. Allele origin: germline.
Comment: This sequence change replaces aspartic acid, which is acidic and polar, with glycine, which is neutral and non-polar, at codon 524 of the CFI protein (p.Asp524Gly). This variant is not present in population databases (gnomAD no frequency). This variant has not been reported in the literature in individuals affected with CFI-related conditions. ClinVar contains an entry for this variant (Variation ID: 3235979). Invitae Evidence Modeling of protein sequence and biophysical properties (such as structural, functional, and spatial information, amino acid conservation, physicochemical variation, residue mobility, and thermodynamic stability) indicates that this missense variant is expected to disrupt CFI protein function with a positive predictive value of 80%. In summary, the available evidence is currently insufficient to determine the role of this variant in disease. Therefore, it has been classified as a Variant of Uncertain Significance.

Fulgent Genetics
Classification: Uncertain significance for Factor I deficiency; Atypical hemolytic-uremic syndrome with I factor anomaly; Age related macular degeneration 13. Last evaluated: 2024-05-22. Review status: criteria provided, single submitter. Criteria: ACMG Guidelines, 2015. Collection method: clinical testing. Allele origin: germline.

MVZ Medizinische Genetik Mainz
Classification: Likely pathogenic for Atypical hemolytic-uremic syndrome with I factor anomaly. Last evaluated: 2023-05-04. Review status: criteria provided, single submitter. Criteria: UK Practice Guidelines For Variant Classification V4 01 2020. Collection method: clinical testing. Allele origin: germline. Inheritance: Autosomal dominant inheritance. Affected: yes. Observed: 1 variant allele.
Comment: ACMG Criteria: PP3_STR,PM5,PM2_SUP